The following is an entry in ClinVar:

NM_024529.5(CDC73):c.1106C>T (p.Thr369Ile)

Gene: CDC73 (cell division cycle 73; plus strand). Cytogenetic location: 1q31.2.
Variant type: single nucleotide variant.
Coding change: c.1106C>T on transcript NM_024529.5 (MANE Select); coding-DNA position 1106, C replaced by T.
Protein change: p.Thr369Ile; replaces threonine 369 with isoleucine.
Molecular consequence: missense variant.
Genome position (GRCh38, 1-based): chr1:193,212,429, C>T. VCF-style: chr1-193212429-C-T. GRCh37 (hg19) VCF-style: chr1-193181559-C-T.
Other names: short protein forms T369I.
Identifiers: ClinVar variation 1793760 (VCV001793760.2), dbSNP rs2527456737, ClinGen allele CA344077589.

ClinVar aggregate classification (germline): Uncertain significance (1 of 4 stars; one submission).

Conditions:
Hereditary cancer-predisposing syndrome. Also called: Tumor predisposition; Hereditary Cancer Syndrome; Neoplastic Syndromes, Hereditary; Hereditary neoplastic syndrome. Identifiers: Orphanet 140162, MedGen C0027672, MeSH D009386, MONDO:0015356.

Submission:

Ambry Genetics
Classification: Uncertain significance for Hereditary cancer-predisposing syndrome. Last evaluated: 2020-09-10. Review status: criteria provided, single submitter. Criteria: Ambry Variant Classification Scheme 2023. Collection method: clinical testing. Allele origin: germline.
Comment: The p.T369I variant (also known as c.1106C>T), located in coding exon 13 of the CDC73 gene, results from a C to T substitution at nucleotide position 1106. The threonine at codon 369 is replaced by isoleucine, an amino acid with similar properties. This amino acid position is highly conserved in available vertebrate species. In addition, this alteration is predicted to be deleterious by in silico analysis. Since supporting evidence is limited at this time, the clinical significance of this alteration remains unclear.